The following is an entry in ClinVar:

NM_002078.5(GOLGA4):c.5849A>G (p.Gln1950Arg)

Gene: GOLGA4 (golgin A4; plus strand). Cytogenetic location: 3p22.2.
Variant type: single nucleotide variant.
Coding change: c.5849A>G on transcript NM_002078.5 (MANE Select); coding-DNA position 5849, A replaced by G.
Protein change: p.Gln1950Arg; replaces glutamine 1950 with arginine.
Molecular consequence: missense variant.
Genome position (GRCh38, 1-based): chr3:37,327,735, A>G. VCF-style: chr3-37327735-A-G. GRCh37 (hg19) VCF-style: chr3-37369226-A-G.
Other names: c.5915A>G, p.Gln1972Arg (NM_001172713.3, NM_001410721.2, NM_001429191.1); c.5966A>G, p.Gln1989Arg (NM_001429190.1); c.5801A>G, p.Gln1934Arg (NM_001429193.1); c.5867A>G, p.Gln1956Arg (NM_001429196.1, NM_001429198.1); c.5849A>G, p.Gln1950Arg (NM_001429201.1); c.5810A>G, p.Gln1937Arg (NM_001429202.1); short protein forms Q1934R, Q1937R, Q1950R, Q1956R, Q1972R, Q1989R.
Identifiers: ClinVar variation 3349636 (VCV003349636.1).

ClinVar aggregate classification (germline): Uncertain significance (0 of 4 stars; one submission).

Conditions:
GOLGA4-related disorder. Also called: GOLGA4-related condition.

Submission:

PreventionGenetics, part of Exact Sciences
Classification: Uncertain significance for GOLGA4-related condition. Last evaluated: 2024-04-11. Review status: no assertion criteria provided. Collection method: clinical testing. Allele origin: germline.
Comment: The GOLGA4 c.5915A>G variant is predicted to result in the amino acid substitution p.Gln1972Arg. To our knowledge, this variant has not been reported in the literature or in a large population database, indicating this variant is rare. At this time, the clinical significance of this variant is uncertain due to the absence of conclusive functional and genetic evidence.